The following is an entry in ClinVar:

ClinVar aggregate classification (germline): Conflicting classifications of pathogenicity. Review status: criteria provided, conflicting classifications (1 of 4 stars). 3 submissions from 3 submitters: Uncertain significance (2); Likely benign (1). Last evaluated 2025-10-01.

Conditions:
Inborn genetic diseases. Identifiers: MedGen C0950123, MeSH D030342.
Parkinson disease (PD). Identifiers: MedGen C0030567, MeSH D010300, MONDO:0005180.

Allele frequency attached by ClinVar (database versions not stated): gnomAD exomes 0.00019 and 0.00080; ExAC 0.00020; gnomAD 0.00028; TOPMed 0.00029; ESP Exome Variant Server 0.00062.
gnomAD v4.1: 1,187 of 1,587,174 alleles (0.075%); highest among the groups gnomAD compares: Non-Finnish European, 0.097%; 3 homozygotes.

Submissions (3):

CeGaT Center for Human Genetics Tuebingen
Classification: Likely benign. Last evaluated: 2025-10-01. Review status: criteria provided, single submitter. Criteria: CeGaT Center For Human Genetics Tuebingen Variant Classification Criteria Version 2. Collection method: clinical testing. Allele origin: germline. Affected: yes. Observed: 1 variant allele.
Comment: TNR: BS2

Ambry Genetics
Classification: Uncertain significance for Inborn genetic diseases. Last evaluated: 2022-07-08. Review status: criteria provided, single submitter. Criteria: Ambry Variant Classification Scheme 2023. Collection method: clinical testing. Allele origin: germline.

Lupski Lab, Baylor-Hopkins CMG, Baylor College of Medicine
Classification: Uncertain significance for Parkinson disease. Last evaluated: 2016-01-01. Review status: criteria provided, single submitter. Criteria: Farlow et al. (JAMA Neurol 2016). Collection method: research. Allele origin: germline. Inheritance: Autosomal dominant inheritance. Affected: yes. Observed: 2 variant alleles, 2 heterozygotes.

Literature cited by the submitters: PubMed 26122175 (cited by Ambry Genetics); PubMed 26595808 (cited by Ambry Genetics); PubMed 33278868 (cited by Ambry Genetics).

NM_003285.3(TNR):c.1774A>G (p.Thr592Ala)

Gene: TNR (tenascin R; minus strand). Cytogenetic location: 1q25.1.
Variant type: single nucleotide variant.
Coding change: c.1774A>G on transcript NM_003285.3 (MANE Select); coding-DNA position 1774, A replaced by G.
Protein change: p.Thr592Ala; replaces threonine 592 with alanine.
Molecular consequence: missense variant.
Genome position (GRCh38, 1-based): chr1:175,386,035, T>C on the plus strand (A>G on the coding strand, the complement: TNR is on the minus strand). VCF-style: chr1-175386035-T-C. GRCh37 (hg19) VCF-style: chr1-175355171-T-C.
Other names: c.775A>G, p.Thr259Ala (NM_001328635.2); short protein forms T592A, T259A.
Identifiers: ClinVar variation 224861 (VCV000224861.9), dbSNP rs140481433, ClinGen allele CA357971.